The following is an entry in ClinVar:

ClinVar aggregate classification (germline): Likely pathogenic (1 of 4 stars; one submission).

Submission:

Labcorp Genetics (formerly Invitae), Labcorp
Classification: Likely pathogenic. Last evaluated: 2022-09-19. Review status: criteria provided, single submitter. Criteria: Invitae Variant Classification Sherloc (09022015). Collection method: clinical testing. Allele origin: germline.
Comment: This variant has not been reported in the literature in individuals affected with RINT1-related conditions. In summary, the currently available evidence indicates that the variant is pathogenic, but additional data are needed to prove that conclusively. Therefore, this variant has been classified as Likely Pathogenic. Algorithms developed to predict the effect of sequence changes on RNA splicing suggest that this variant may disrupt the consensus splice site. ClinVar contains an entry for this variant (Variation ID: 1021026). This variant is not present in population databases (gnomAD no frequency). This sequence change affects an acceptor splice site in intron 5 of the RINT1 gene. It is expected to disrupt RNA splicing. Variants that disrupt the donor or acceptor splice site typically lead to a loss of protein function (PMID: 16199547), and loss-of-function variants in RINT1 are known to be pathogenic (PMID: 31204009).

Literature cited by the submitters: PubMed 16199547; PubMed 31204009.

NM_021930.6(RINT1):c.690-1G>A

Gene: RINT1 (RAD50 interactor 1; plus strand). Cytogenetic location: 7q22.3.
Variant type: single nucleotide variant.
Coding change: c.690-1G>A on transcript NM_021930.6 (MANE Select); the canonical splice acceptor site of the intron before coding-DNA position 690, G replaced by A.
Molecular consequence: splice acceptor variant. On other transcripts: intron variant (1).
Genome position (GRCh38, 1-based): chr7:105,547,183, G>A. VCF-style: chr7-105547183-G-A. GRCh37 (hg19) VCF-style: chr7-105187630-G-A.
Other names: c.-330-1G>A (NM_001346600.2); c.-233-1G>A (NM_001346601.2); c.-27-2872G>A (NM_001346603.2); c.456-1G>A (NM_001346599.2).
Identifiers: ClinVar variation 1021026 (VCV001021026.7), dbSNP rs1790704642, ClinGen allele CA368806165.
Genomic context (GRCh38, chr7:105,547,183, plus strand): 5'-ATGGGTATTTGGTGATCATTTGGTGATGTACTGAAATGTATGTGTTACTTTTCCATTGCA[G>A]TGATTTTGAGGAAATTTTAGCACAGCTTCATTGGCCATTCATCGCACCCCCTCAATCACA-3'